The following is an entry in ClinVar:

ClinVar aggregate classification (germline): Uncertain significance. Review status: criteria provided, multiple submitters, no conflicts (2 of 4 stars). 2 submissions from 2 submitters: Uncertain significance (2). Last evaluated 2025-01-11.

Conditions:
Hereditary cancer-predisposing syndrome. Also called: Hereditary neoplastic syndrome; Neoplastic Syndromes, Hereditary; Hereditary Cancer Syndrome; Tumor predisposition. Identifiers: Orphanet 140162, MedGen C0027672, MeSH D009386, MONDO:0015356.
Familial adenomatous polyposis 1 (FAP1). Also called: FAMILIAL ADENOMATOUS POLYPOSIS 1, ATTENUATED; POLYPOSIS, ADENOMATOUS INTESTINAL. Identifiers: MedGen C2713442, MONDO:0021056, OMIM 175100. Disease mechanism: loss of function.

Allele frequency attached by ClinVar (database versions not stated): gnomAD exomes below 0.00001.
gnomAD v4.1: 1 of 1,613,540 alleles (0.000062%); highest among the groups gnomAD compares: Non-Finnish European, 0.000085%; no homozygotes.

Submissions (2):

Ambry Genetics
Classification: Uncertain significance for Hereditary cancer-predisposing syndrome. Last evaluated: 2025-01-11. Review status: criteria provided, single submitter. Criteria: Ambry Variant Classification Scheme 2023. Collection method: clinical testing. Allele origin: germline.
Comment: The p.T2017A variant (also known as c.6049A>G), located in coding exon 15 of the APC gene, results from an A to G substitution at nucleotide position 6049. The threonine at codon 2017 is replaced by alanine, an amino acid with similar properties. This amino acid position is conserved. In addition, in silico predictors for this gene do not accurately predict pathogenicity. Based on the available evidence, the clinical significance of this variant remains unclear.

Labcorp Genetics (formerly Invitae), Labcorp
Classification: Uncertain significance for Familial adenomatous polyposis 1. Last evaluated: 2022-08-31. Review status: criteria provided, single submitter. Criteria: Invitae Variant Classification Sherloc (09022015). Collection method: clinical testing. Allele origin: germline.
Comment: In summary, the available evidence is currently insufficient to determine the role of this variant in disease. Therefore, it has been classified as a Variant of Uncertain Significance. Algorithms developed to predict the effect of missense changes on protein structure and function are either unavailable or do not agree on the potential impact of this missense change (SIFT: "Deleterious"; PolyPhen-2: "Probably Damaging"; Align-GVGD: "Class C0"). This variant has not been reported in the literature in individuals affected with APC-related conditions. This variant is not present in population databases (gnomAD no frequency). This sequence change replaces threonine, which is neutral and polar, with alanine, which is neutral and non-polar, at codon 2017 of the APC protein (p.Thr2017Ala).

NM_000038.6(APC):c.6049A>G (p.Thr2017Ala)

Gene: APC (APC regulator of Wnt signaling pathway; plus strand). Cytogenetic location: 5q22.2.
Variant type: single nucleotide variant.
Coding change: c.6049A>G on transcript NM_000038.6 (MANE Select); coding-DNA position 6049, A replaced by G.
Protein change: p.Thr2017Ala; replaces threonine 2017 with alanine.
Molecular consequence: missense variant.
Genome position (GRCh38, 1-based): chr5:112,841,643, A>G. VCF-style: chr5-112841643-A-G. GRCh37 (hg19) VCF-style: chr5-112177340-A-G.
Other names: c.6049A>G, p.Thr2017Ala (NM_001127510.3, NM_001354895.2, NM_001407450.1); c.5995A>G, p.Thr1999Ala (NM_001127511.3); c.6103A>G, p.Thr2035Ala (NM_001354896.2, NM_001407447.1, NM_001407448.1 and 1 more transcripts); c.6079A>G, p.Thr2027Ala (NM_001354897.2); c.5974A>G, p.Thr1992Ala (NM_001354898.2); c.5965A>G, p.Thr1989Ala (NM_001354899.2); c.5926A>G, p.Thr1976Ala (NM_001354900.2); c.5872A>G, p.Thr1958Ala (NM_001354901.2, NM_001407453.1); and 12 more; short protein forms T1633A, T1734A, T1857A, T1888A, T1891A, T1916A, T1926A, T1934A.
Identifiers: ClinVar variation 1718517 (VCV001718517.7), dbSNP rs2533687348, ClinGen allele CA16034569.